The following is an entry in ClinVar:

ClinVar aggregate classification (germline): Uncertain significance (1 of 4 stars; one submission).

Conditions:
Malignant hyperthermia, susceptibility to, 1 (MHS1). Also called: RYR1-Related Malignant Hyperthermia Susceptibility; Malignant hyperthermia suceptibility 1; Anesthesia related hyperthermia; Malignant hyperpyrexia; Fulminating hyperpyrexia; Pharmacogenic myopathy. Identifiers: Orphanet 423, MedGen C2930980, MONDO:0007783, OMIM 145600.

Submission:

Color Diagnostics, LLC DBA Color Health
Classification: Uncertain significance for Malignant hyperthermia, susceptibility to, 1. Last evaluated: 2025-05-25. Review status: criteria provided, single submitter. Criteria: ACMG Guidelines, 2015. Collection method: clinical testing. Allele origin: germline.
Comment: This missense variant replaces leucine with isoleucine at codon 749 of the RYR1 protein. Computational prediction is inconclusive regarding the impact of this variant on protein structure and function. To our knowledge, functional studies have not been reported for this variant. This variant has not been reported in individuals affected with RYR1-related disorders in the literature. This variant has not been identified in the general population by the Genome Aggregation Database (gnomAD). The available evidence is insufficient to determine the role of this variant in disease conclusively. Therefore, this variant is classified as a Variant of Uncertain Significance.

NM_000540.3(RYR1):c.2245C>A (p.Leu749Ile)

Gene: RYR1 (ryanodine receptor 1; plus strand). Cytogenetic location: 19q13.2.
Variant type: single nucleotide variant.
Coding change: c.2245C>A on transcript NM_000540.3 (MANE Select); coding-DNA position 2245, C replaced by A.
Protein change: p.Leu749Ile; replaces leucine 749 with isoleucine.
Molecular consequence: missense variant.
Genome position (GRCh38, 1-based): chr19:38,459,223, C>A. VCF-style: chr19-38459223-C-A. GRCh37 (hg19) VCF-style: chr19-38949863-C-A.
Other names: c.2245C>A, p.Leu749Ile (NM_001042723.2); short protein forms L749I.
Identifiers: ClinVar variation 4756792 (VCV004756792.1).
Genomic context (GRCh38, chr19:38,459,223, plus strand): 5'-GTGACTTCCCCAGGGCAGCACCTCCTGGCCCCTGAAGACGTGATCAGCTGCTGCCTGGAC[C>A]TCAGCGTGCCGTCCATCTCCTTCCGCATCAACGGCTGCCCCGTGCAGGGTGTCTTTGAGT-3'
Protein context (NP_000531.2, residues 739-759): PEDVISCCLD[Leu749Ile]SVPSISFRIN